The following is an entry in ClinVar:

ClinVar aggregate classification (germline): Uncertain significance (1 of 4 stars; one submission).

Conditions:
Familial type 5 hyperlipoproteinemia. Also called: Hyperlipoproteinemia Type V; HYPERCHYLOMICRONEMIA WITH HYPERPREBETALIPOPROTEINEMIA, FAMILIAL. Identifiers: Orphanet 530849, MedGen C0020481, MONDO:0007762, OMIM 144650.

Submission:

MVZ Medizinische Genetik Mainz
Classification: Uncertain significance for Familial type 5 hyperlipoproteinemia. Last evaluated: 2023-09-26. Review status: criteria provided, single submitter. Criteria: UK Practice Guidelines For Variant Classification V4 01 2020. Collection method: clinical testing. Allele origin: germline. Inheritance: Autosomal dominant inheritance. Affected: yes. Observed: 1 variant allele.
Comment: ACMG Criteria: PM4,PM2_SUP, PP3_SUP

NM_001371904.1(APOA5):c.334_399dup (p.Thr133_Met134insAlaGluAlaHisGluLeuValGlyTrpAsnLeuGluGlyLeuArgGlnGlnLeuLysProTyrThr)

Gene: APOA5 (apolipoprotein A5; minus strand). Cytogenetic location: 11q23.3.
Variant type: Duplication.
Coding change: c.334_399dup on transcript NM_001371904.1 (MANE Select); coding-DNA positions 334 to 399, 66 bases duplicated.
Protein change: p.Thr133_Met134insAlaGluAlaHisGluLeuValGlyTrpAsnLeuGluGlyLeuArgGlnGlnLeuLysProTyrThr.
Molecular consequence: inframe insertion.
Genome position (GRCh38, 1-based): chr11:116,790,830-116,790,895, 66 bases duplicated. GRCh37 (hg19): chr11:116,661,547-116,661,612.
Other names: c.334_399dup, p.Thr133_Met134insAlaGluAlaHisGluLeuValGlyTrpAsnLeuGluGlyLeuArgGlnGlnLeuLysProTyrThr (NM_001166598.2, NM_052968.5).
Identifiers: ClinVar variation 3235173 (VCV003235173.1), dbSNP rs2540244765.